The following is an entry in ClinVar:

NM_001620.3(AHNAK):c.17387C>T (p.Thr5796Met)

Gene: AHNAK (AHNAK nucleoprotein; minus strand). Cytogenetic location: 11q12.3.
Variant type: single nucleotide variant.
Coding change: c.17387C>T on transcript NM_001620.3 (MANE Select); coding-DNA position 17387, C replaced by T.
Protein change: p.Thr5796Met; replaces threonine 5796 with methionine.
Molecular consequence: missense variant. On other transcripts: intron variant (1).
Genome position (GRCh38, 1-based): chr11:62,517,030, G>A on the plus strand (C>T on the coding strand, the complement: AHNAK is on the minus strand). VCF-style: chr11-62517030-G-A. GRCh37 (hg19) VCF-style: chr11-62284502-G-A.
Other names: c.17387C>T, p.Thr5796Met (NM_001346445.2, NM_001346446.2); c.342+17973C>T (NM_024060.4); short protein forms T5796M.
Identifiers: ClinVar variation 2641848 (VCV002641848.24), dbSNP rs139479070, ClinGen allele CA6043667.

ClinVar aggregate classification (germline): Benign (1 of 4 stars; one submission).

Allele frequency attached by ClinVar (database versions not stated): TOPMed 0.00075; gnomAD exomes 0.00092; ESP Exome Variant Server 0.00100; gnomAD 0.00112; ExAC 0.00115.
gnomAD v4.1: 1,493 of 1,614,142 alleles (0.092%); highest among the groups gnomAD compares: Non-Finnish European, 0.11%; 3 homozygotes.

Submission:

CeGaT Center for Human Genetics Tuebingen
Classification: Benign. Last evaluated: 2023-09-01. Review status: criteria provided, single submitter. Criteria: CeGaT Center For Human Genetics Tuebingen Variant Classification Criteria Version 2. Collection method: clinical testing. Allele origin: germline. Affected: yes. Observed: 1 variant allele.
Comment: AHNAK: BS1, BS2